The following is an entry in ClinVar:

NM_198282.4(STING1):c.61_64del (p.Ala21fs)

Gene: STING1 (stimulator of interferon response cGAMP interactor 1; minus strand). Cytogenetic location: 5q31.2.
Variant type: Deletion.
Coding change: c.61_64del on transcript NM_198282.4 (MANE Select); coding-DNA positions 61 to 64, 4 bases deleted (GCAG; older notation c.61_64delGCAG).
Protein change: p.Ala21fs; shifts the reading frame from alanine 21.
Molecular consequence: frameshift variant. On other transcripts: intron variant (1).
Genome position (GRCh38, 1-based): chr5:139,481,641-139,481,644, CTGC deleted on the plus strand (GCAG on the coding strand, the reverse complement: STING1 is on the minus strand); deleting any 4 consecutive bases within chr5:139,481,641-139,481,646 gives the same sequence; the c. name uses the placement nearest the transcript's 3' end. VCF-style (leftmost placement, unchanged base first): chr5-139481640-GCTGC-G. GRCh37 (hg19) VCF-style: chr5-138861225-GCTGC-G.
Other names: c.61_64del, p.Ala21fs (NM_001301738.2); c.-130-302_-130-299del (NM_001367258.1); short protein forms A21fs.
Identifiers: ClinVar variation 2971446 (VCV002971446.3), dbSNP rs2152094509, ClinGen allele CA2578423600.
Genomic context (GRCh38, chr5:139,481,640, plus strand): 5'-TGCTCTGGTGGCTCTCCTAGCCCCCAAAGGGTCACCAGGCAGGCACTCAGCAGAACCAAG[GCTGC>G]CTTCTGGGCCCCGTGACCCCTGGGACACGGGATGGATGGATGCAGGCTGGAGTGGGGCAT-3'

ClinVar aggregate classification (germline): Uncertain significance (1 of 4 stars; one submission).

Conditions:
STING-associated vasculopathy with onset in infancy. Also called: Sting-associated vasculopathy, infantile-onset. Identifiers: Orphanet 425120, MedGen C4014722, MONDO:0014405, OMIM 615934.

Submission:

Labcorp Genetics (formerly Invitae), Labcorp
Classification: Uncertain significance for STING-associated vasculopathy with onset in infancy. Last evaluated: 2025-07-10. Review status: criteria provided, single submitter. Criteria: Invitae Variant Classification Sherloc (09022015). Collection method: clinical testing. Allele origin: germline.
Comment: This sequence change creates a premature translational stop signal (p.Ala21Profs*5) in the TMEM173 gene. It is expected to result in an absent or disrupted protein product. However, the current clinical and genetic evidence is not sufficient to establish whether loss-of-function variants in TMEM173 cause disease. This variant is not present in population databases (gnomAD no frequency). This variant has not been reported in the literature in individuals affected with TMEM173-related conditions. ClinVar contains an entry for this variant (Variation ID: 2971446). In summary, the available evidence is currently insufficient to determine the role of this variant in disease. Therefore, it has been classified as a Variant of Uncertain Significance.